The following is an entry in ClinVar:

ClinVar aggregate classification (germline): Uncertain significance (1 of 4 stars; one submission).

Submission:

Ambry Genetics
Classification: Uncertain significance. Last evaluated: 2024-03-21. Review status: criteria provided, single submitter. Criteria: Ambry Variant Classification Scheme 2023. Collection method: clinical testing. Allele origin: germline.
Comment: The p.A241T variant (also known as c.721G>A), located in coding exon 4 of the MNDA gene, results from a G to A substitution at nucleotide position 721. The alanine at codon 241 is replaced by threonine, an amino acid with similar properties. This amino acid position is conserved. In addition, this alteration is predicted to be tolerated by in silico analysis. Based on the available evidence, the clinical significance of this alteration remains unclear.

NM_002432.3(MNDA):c.721G>A (p.Ala241Thr)

Gene: MNDA (myeloid cell nuclear differentiation antigen; plus strand). Cytogenetic location: 1q23.1.
Variant type: single nucleotide variant.
Coding change: c.721G>A on transcript NM_002432.3 (MANE Select); coding-DNA position 721, G replaced by A.
Protein change: p.Ala241Thr; replaces alanine 241 with threonine.
Molecular consequence: missense variant.
Genome position (GRCh38, 1-based): chr1:158,845,737, G>A. VCF-style: chr1-158845737-G-A. GRCh37 (hg19) VCF-style: chr1-158815527-G-A.
Other names: short protein forms A241T.
Identifiers: ClinVar variation 3295434 (VCV003295434.1).